The following is an entry in ClinVar:

NM_006904.7(PRKDC):c.4334G>T (p.Arg1445Met)

Gene: PRKDC (protein kinase, DNA-activated, catalytic subunit; minus strand). Cytogenetic location: 8q11.21.
Variant type: single nucleotide variant.
Coding change: c.4334G>T on transcript NM_006904.7 (MANE Select); coding-DNA position 4334, G replaced by T.
Protein change: p.Arg1445Met; replaces arginine 1445 with methionine.
Molecular consequence: missense variant.
Genome position (GRCh38, 1-based): chr8:47,888,597, C>A on the plus strand (G>T on the coding strand, the complement: PRKDC is on the minus strand). VCF-style: chr8-47888597-C-A. GRCh37 (hg19) VCF-style: chr8-48801158-C-A.
Other names: c.4334G>T, p.Arg1445Met (NM_001081640.2); short protein forms R1445M.
Identifiers: ClinVar variation 2497372 (VCV002497372.3), dbSNP rs1431011307, ClinGen allele CA371145753.

ClinVar aggregate classification (germline): Uncertain significance. Review status: criteria provided, multiple submitters, no conflicts (2 of 4 stars). 2 submissions from 2 submitters: Uncertain significance (2). Last evaluated 2025-06-07.

Conditions:
Severe combined immunodeficiency due to DNA-PKcs deficiency. Also called: IMMUNODEFICIENCY 26 WITH NEUROLOGIC ABNORMALITIES; Immunodeficiency 26 with or without neurologic abnormalities. Identifiers: Orphanet 317425, MedGen C4014833, MONDO:0014423, OMIM 615966.

Allele frequency attached by ClinVar (database versions not stated): gnomAD exomes below 0.00001.
gnomAD v4.1: 2 of 1,592,790 alleles (0.00013%); highest among the groups gnomAD compares: Admixed American, 0.0035%; no homozygotes.

Submissions (2):

Labcorp Genetics (formerly Invitae), Labcorp
Classification: Uncertain significance for Severe combined immunodeficiency due to DNA-PKcs deficiency. Last evaluated: 2025-06-07. Review status: criteria provided, single submitter. Criteria: Invitae Variant Classification Sherloc (09022015). Collection method: clinical testing. Allele origin: germline.
Comment: This sequence change replaces arginine, which is basic and polar, with methionine, which is neutral and non-polar, at codon 1445 of the PRKDC protein (p.Arg1445Met). The frequency data for this variant in the population databases is considered unreliable, as metrics indicate poor data quality at this position in the gnomAD database. This variant has not been reported in the literature in individuals affected with PRKDC-related conditions. ClinVar contains an entry for this variant (Variation ID: 2497372). Invitae Evidence Modeling of protein sequence and biophysical properties (such as structural, functional, and spatial information, amino acid conservation, physicochemical variation, residue mobility, and thermodynamic stability) indicates that this missense variant is not expected to disrupt PRKDC protein function with a negative predictive value of 80%. In summary, the available evidence is currently insufficient to determine the role of this variant in disease. Therefore, it has been classified as a Variant of Uncertain Significance.

Ambry Genetics
Classification: Uncertain significance. Last evaluated: 2023-02-10. Review status: criteria provided, single submitter. Criteria: Ambry Variant Classification Scheme 2023. Collection method: clinical testing. Allele origin: germline.
Comment: The p.R1445M variant (also known as c.4334G>T), located in coding exon 34 of the PRKDC gene, results from a G to T substitution at nucleotide position 4334. The arginine at codon 1445 is replaced by methionine, an amino acid with similar properties. This amino acid position is conserved. In addition, this alteration is predicted to be tolerated by in silico analysis. Since supporting evidence is limited at this time, the clinical significance of this alteration remains unclear.